The following is an entry in ClinVar:

ClinVar aggregate classification (germline): Conflicting classifications of pathogenicity. Review status: criteria provided, conflicting classifications (1 of 4 stars). 3 submissions from 3 submitters: Uncertain significance (2); Likely benign (1). Last evaluated 2023-12-26.

Conditions:
Hereditary nonpolyposis colorectal neoplasms. Identifiers: MedGen C0009405, MeSH D003123.
Lynch syndrome. Identifiers: Orphanet 144, MedGen C4552100, MONDO:0005835. Disease mechanism: loss of function.
Hereditary cancer-predisposing syndrome. Also called: Neoplastic Syndromes, Hereditary; Hereditary neoplastic syndrome; Tumor predisposition; Hereditary Cancer Syndrome. Identifiers: Orphanet 140162, MedGen C0027672, MeSH D009386, MONDO:0015356.

Allele frequency attached by ClinVar (database versions not stated): gnomAD exomes below 0.00001.
gnomAD v4.1: 2 of 1,614,210 alleles (0.00012%); highest among the groups gnomAD compares: Non-Finnish European, 0.000085%; no homozygotes.

Submissions (3):

Ambry Genetics
Classification: Uncertain significance for Hereditary cancer-predisposing syndrome. Last evaluated: 2023-12-26. Review status: criteria provided, single submitter. Criteria: Ambry Variant Classification Scheme 2023. Collection method: clinical testing. Allele origin: germline.
Comment: The p.K324R variant (also known as c.971A>G), located in coding exon 4 of the MSH6 gene, results from an A to G substitution at nucleotide position 971. The lysine at codon 324 is replaced by arginine, an amino acid with highly similar properties. This amino acid position is well conserved in available vertebrate species. In addition, the in silico prediction for this alteration is inconclusive. Since supporting evidence is limited at this time, the clinical significance of this alteration remains unclear.

Labcorp Genetics (formerly Invitae), Labcorp
Classification: Uncertain significance for Hereditary nonpolyposis colorectal neoplasms. Last evaluated: 2023-09-28. Review status: criteria provided, single submitter. Criteria: Invitae Variant Classification Sherloc (09022015). Collection method: clinical testing. Allele origin: germline.
Comment: This sequence change replaces lysine, which is basic and polar, with arginine, which is basic and polar, at codon 324 of the MSH6 protein (p.Lys324Arg). This variant is not present in population databases (gnomAD no frequency). This variant has not been reported in the literature in individuals affected with MSH6-related conditions. ClinVar contains an entry for this variant (Variation ID: 619533). Advanced modeling of protein sequence and biophysical properties (such as structural, functional, and spatial information, amino acid conservation, physicochemical variation, residue mobility, and thermodynamic stability) performed at Invitae indicates that this missense variant is not expected to disrupt MSH6 protein function. Experimental studies have shown that this missense change does not substantially affect MSH6 function (PMID: 31965077). In summary, the available evidence is currently insufficient to determine the role of this variant in disease. Therefore, it has been classified as a Variant of Uncertain Significance.

University of Washington Department of Laboratory Medicine, University of Washington
Classification: Likely benign for Lynch syndrome. Last evaluated: 2018-05-01. Review status: criteria provided, single submitter. Criteria: Shirts BH et al. (Am J Hum Genet 2018). Collection method: clinical testing. Allele origin: somatic. Affected: yes.
Comment: MSH6 NM_000179.2:c.971A>G has a 2.2% probability of pathogenicity based on combining prior probability from public data with a likelihood ratio of 0.20 to 1, generated from evidence of seeing this as a somatic mutation in a tumor without loss of heterozygosity at the MSH6 locus. See Shirts et al 2018, PMID 29887214.

Literature cited by the submitters: PubMed 31965077 (cited by Labcorp Genetics (formerly Invitae), Labcorp).

NM_000179.3(MSH6):c.971A>G (p.Lys324Arg)

Gene: MSH6 (mutS homolog 6; plus strand). Cytogenetic location: 2p16.3.
Variant type: single nucleotide variant.
Coding change: c.971A>G on transcript NM_000179.3 (MANE Select); coding-DNA position 971, A replaced by G.
Protein change: p.Lys324Arg; replaces lysine 324 with arginine.
Molecular consequence: missense variant.
Genome position (GRCh38, 1-based): chr2:47,798,954, A>G. VCF-style: chr2-47798954-A-G. GRCh37 (hg19) VCF-style: chr2-48026093-A-G.
Other names: c.581A>G, p.Lys194Arg (NM_001281492.2); c.65A>G, p.Lys22Arg (NM_001281493.2, NM_001281494.2); short protein forms K324R, K194R, K22R.
Identifiers: ClinVar variation 619533 (VCV000619533.13), dbSNP rs1558659961, ClinGen allele CA346740950.